The following is an entry in ClinVar:

NM_003628.6(PKP4):c.136C>T (p.Leu46Phe)

Gene: PKP4 (plakophilin 4; plus strand). Cytogenetic location: 2q24.1.
Variant type: single nucleotide variant.
Coding change: c.136C>T on transcript NM_003628.6 (MANE Select); coding-DNA position 136, C replaced by T.
Protein change: p.Leu46Phe; replaces leucine 46 with phenylalanine.
Molecular consequence: missense variant. On other transcripts: 5 prime UTR variant (1).
Genome position (GRCh38, 1-based): chr2:158,577,274, C>T. VCF-style: chr2-158577274-C-T. GRCh37 (hg19) VCF-style: chr2-159433786-C-T.
Other names: c.136C>T, p.Leu46Phe (NM_001005476.4, NM_001304969.3, NM_001304971.2 and 9 more transcripts); c.-814C>T (NM_001304970.3); short protein forms L46F.
Identifiers: ClinVar variation 2533030 (VCV002533030.3), dbSNP rs1414457215, ClinGen allele CA349201540.
Genomic context (GRCh38, chr2:158,577,274, plus strand): 5'-TCTGCCTGAGCAGCATACCTTGGCGCCTTATATGCCTTTTATTTTCTTGAATCACAGGAG[C>T]TTCAGTTTCAGCGACTCACCCGAGAACTGGAAGTGGAAAGGCAGATTGTTGCCAGTCAGC-3'
Protein context (NP_003619.2, residues 36-56): TILASVKEQE[Leu46Phe]QFQRLTRELE

ClinVar aggregate classification (germline): Uncertain significance (1 of 4 stars; one submission).

Allele frequency attached by ClinVar (database versions not stated): gnomAD exomes below 0.00001; TOPMed below 0.00001.
gnomAD v4.1: 2 of 1,609,024 alleles (0.00012%); highest among the groups gnomAD compares: Non-Finnish European, 0.00017%; no homozygotes.

Submission:

Ambry Genetics
Classification: Uncertain significance. Last evaluated: 2024-10-14. Review status: criteria provided, single submitter. Criteria: Ambry Variant Classification Scheme 2023. Collection method: clinical testing. Allele origin: germline.
Comment: The p.L46F variant (also known as c.136C>T), located in coding exon 2 of the PKP4 gene, results from a C to T substitution at nucleotide position 136. The leucine at codon 46 is replaced by phenylalanine, an amino acid with highly similar properties. This amino acid position is conserved. In addition, the in silico prediction for this alteration is inconclusive. Based on the available evidence, the clinical significance of this variant remains unclear.